The following is an entry in ClinVar:

NM_005732.4(RAD50):c.2303T>C (p.Ile768Thr)

Gene: RAD50 (RAD50 double strand break repair protein; plus strand). Cytogenetic location: 5q31.1.
Variant type: single nucleotide variant.
Coding change: c.2303T>C on transcript NM_005732.4 (MANE Select); coding-DNA position 2303, T replaced by C.
Protein change: p.Ile768Thr; replaces isoleucine 768 with threonine.
Molecular consequence: missense variant.
Genome position (GRCh38, 1-based): chr5:132,603,395, T>C. VCF-style: chr5-132603395-T-C. GRCh37 (hg19) VCF-style: chr5-131939087-T-C.
Other names: short protein forms I768T.
Identifiers: ClinVar variation 484702 (VCV000484702.15), dbSNP rs1554099100, ClinGen allele CA360954470.

ClinVar aggregate classification (germline): Uncertain significance. Review status: criteria provided, multiple submitters, no conflicts (2 of 4 stars). 2 submissions from 2 submitters: Uncertain significance (2). Last evaluated 2024-05-31.

Conditions:
Hereditary cancer-predisposing syndrome. Also called: Neoplastic Syndromes, Hereditary; Tumor predisposition; Hereditary Cancer Syndrome; Hereditary neoplastic syndrome. Identifiers: Orphanet 140162, MedGen C0027672, MeSH D009386, MONDO:0015356.

Allele frequency attached by ClinVar (database versions not stated): gnomAD exomes 0.00001.
gnomAD v4.1: 9 of 1,613,808 alleles (0.00056%); highest among the groups gnomAD compares: Non-Finnish European, 0.00076%; no homozygotes.

Submissions (2):

Ambry Genetics
Classification: Uncertain significance for Hereditary cancer-predisposing syndrome. Last evaluated: 2024-05-31. Review status: criteria provided, single submitter. Criteria: Ambry Variant Classification Scheme 2023. Collection method: clinical testing. Allele origin: germline.
Comment: The p.I768T variant (also known as c.2303T>C), located in coding exon 14 of the RAD50 gene, results from a T to C substitution at nucleotide position 2303. The isoleucine at codon 768 is replaced by threonine, an amino acid with similar properties. This amino acid position is not well conserved in available vertebrate species. In addition, the in silico prediction for this alteration is inconclusive. Since supporting evidence is limited at this time, the clinical significance of this alteration remains unclear.

Labcorp Genetics (formerly Invitae), Labcorp
Classification: Uncertain significance for Hereditary cancer-predisposing syndrome. Last evaluated: 2023-10-05. Review status: criteria provided, single submitter. Criteria: Invitae Variant Classification Sherloc (09022015). Collection method: clinical testing. Allele origin: germline.
Comment: This sequence change replaces isoleucine, which is neutral and non-polar, with threonine, which is neutral and polar, at codon 768 of the RAD50 protein (p.Ile768Thr). This variant is not present in population databases (gnomAD no frequency). This variant has not been reported in the literature in individuals affected with RAD50-related conditions. ClinVar contains an entry for this variant (Variation ID: 484702). Advanced modeling of protein sequence and biophysical properties (such as structural, functional, and spatial information, amino acid conservation, physicochemical variation, residue mobility, and thermodynamic stability) performed at Invitae indicates that this missense variant is not expected to disrupt RAD50 protein function. In summary, the available evidence is currently insufficient to determine the role of this variant in disease. Therefore, it has been classified as a Variant of Uncertain Significance.